The following is an entry in ClinVar:

ClinVar aggregate classification (germline): Benign/Likely benign. Review status: criteria provided, multiple submitters, no conflicts (2 of 4 stars). 3 submissions from 3 submitters: Benign (1); Likely benign (1). 1 of the submissions does not count toward it. Last evaluated 2025-11-17.

Conditions:
FUT8-related disorder. Also called: FUT8-related condition.

Allele frequency attached by ClinVar (database versions not stated): ESP Exome Variant Server 0.00023; gnomAD 0.00039 and 0.00056; TOPMed 0.00056; gnomAD exomes 0.00073; ExAC 0.00082; 1000 Genomes Project 30x 0.00297; 1000 Genomes Project 0.00339.
gnomAD v4.1: 801 of 1,614,194 alleles (0.05%); highest among the groups gnomAD compares: East Asian, 0.99%; 6 homozygotes.

Submissions (3):

Labcorp Genetics (formerly Invitae), Labcorp
Classification: Benign. Last evaluated: 2025-11-17. Review status: criteria provided, single submitter. Criteria: Invitae Variant Classification Sherloc (09022015). Collection method: clinical testing. Allele origin: germline.

Blueprint Genetics
Classification: Likely benign. Last evaluated: 2024-10-23. Review status: criteria provided, single submitter. Criteria: ACMG Guidelines, 2015. Collection method: clinical testing. Allele origin: germline.

PreventionGenetics, part of Exact Sciences
Classification: Likely benign for FUT8-related condition. Last evaluated: 2019-04-29. Review status: no assertion criteria provided. Collection method: clinical testing. Allele origin: germline. Not counted in ClinVar's aggregate classification.
Comment: This variant is classified as likely benign based on ACMG/AMP sequence variant interpretation guidelines (Richards et al. 2015 PMID: 25741868, with internal and published modifications).

NM_001371533.1(FUT8):c.936C>T (p.Leu312=)

Gene: FUT8 (fucosyltransferase 8; plus strand). Cytogenetic location: 14q23.3.
Variant type: single nucleotide variant.
Coding change: c.936C>T on transcript NM_001371533.1 (MANE Select); coding-DNA position 936, C replaced by T.
Protein change: p.Leu312=; no amino-acid change (leucine 312 retained).
Molecular consequence: synonymous variant.
Genome position (GRCh38, 1-based): chr14:65,721,875, C>T. VCF-style: chr14-65721875-C-T. GRCh37 (hg19) VCF-style: chr14-66188593-C-T.
Other names: c.936C>T, p.Leu312= (NM_001371534.1, NM_178155.3, NM_178156.2); c.1038C>T, p.Leu346= (NM_001371536.1); c.447C>T, p.Leu149= (NM_004480.4); c.936C>T (NM_178155.2).
Identifiers: ClinVar variation 1542366 (VCV001542366.11), dbSNP rs142910369, ClinGen allele CA7233351.